The following is an entry in ClinVar:

NM_005456.4(MAPK8IP1):c.375G>T (p.Gly125=)

Gene: MAPK8IP1 (mitogen-activated protein kinase 8 interacting protein 1; plus strand). Cytogenetic location: 11p11.2.
Variant type: single nucleotide variant.
Coding change: c.375G>T on transcript NM_005456.4 (MANE Select); coding-DNA position 375, G replaced by T.
Protein change: p.Gly125=; no amino-acid change (glycine 125 retained).
Molecular consequence: synonymous variant.
Genome position (GRCh38, 1-based): chr11:45,900,305, G>T. VCF-style: chr11-45900305-G-T. GRCh37 (hg19) VCF-style: chr11-45921856-G-T.
Identifiers: ClinVar variation 3031997 (VCV003031997.2), dbSNP rs1015914619, ClinGen allele CA221571473.
Genomic context (GRCh38, chr11:45,900,305, plus strand): 5'-GGCCGAGGACGACGAGGAGGACGACGACGAGGAGCGCGCGGCCCGGCGGCCGGGAGCGGG[G>T]CCGCCCAAGGCCGAGTCCGGCCAGGAGCCGGCGTCCCGCGGCCAGGGCCAGAGCCAAGGC-3'
Protein context (NP_005447.1, residues 115-135): EERAARRPGA[Gly125=]PPKAESGQEP

ClinVar aggregate classification (germline): Likely benign (0 of 4 stars; one submission).

Conditions:
MAPK8IP1-related disorder. Also called: MAPK8IP1-related condition.

Submission:

PreventionGenetics, part of Exact Sciences
Classification: Likely benign for MAPK8IP1-related condition. Last evaluated: 2023-01-05. Review status: no assertion criteria provided. Collection method: clinical testing. Allele origin: germline.
Comment: This variant is classified as likely benign based on ACMG/AMP sequence variant interpretation guidelines (Richards et al. 2015 PMID: 25741868, with internal and published modifications).